The following is an entry in ClinVar:

NM_000173.7(GP1BA):c.694T>A (p.Phe232Ile)

Gene: GP1BA (glycoprotein Ib platelet subunit alpha; plus strand). Cytogenetic location: 17p13.2.
Variant type: single nucleotide variant.
Coding change: c.694T>A on transcript NM_000173.7 (MANE Select); coding-DNA position 694, T replaced by A.
Protein change: p.Phe232Ile; replaces phenylalanine 232 with isoleucine.
Molecular consequence: missense variant.
Genome position (GRCh38, 1-based): chr17:4,933,298, T>A. VCF-style: chr17-4933298-T-A. GRCh37 (hg19) VCF-style: chr17-4836593-T-A.
Other names: short protein forms F232I.
Identifiers: ClinVar variation 2572106 (VCV002572106.1), dbSNP rs2507592797, ClinGen allele CA397318134.

ClinVar aggregate classification (germline): Uncertain significance (1 of 4 stars; one submission).

Conditions:
Bernard-Soulier syndrome, type A2, autosomal dominant (BSSA2). Also called: Bernard-Soulier syndrome, type A2 (dominant). Identifiers: Orphanet 274, MedGen C3277076, MONDO:0007930, OMIM 153670.

Submission:

ISTH-SSC Genomics in Thrombosis and Hemostasis, KU Leuven, Center for Molecular and Vascular Biology
Classification: Uncertain significance for Bernard-Soulier syndrome, type A2, autosomal dominant. Review status: criteria provided, single submitter. Criteria: ACMG Guidelines, 2015. Collection method: clinical testing. Allele origin: germline. Affected: yes. Observed: 1 heterozygote.
Comment: Submitted to the GoldVariant database by Kathleen Freson, Center for Molecular and Vascular Biology